The following is an entry in ClinVar:

ClinVar aggregate classification (germline): Pathogenic/Likely pathogenic. Review status: criteria provided, multiple submitters, no conflicts (2 of 4 stars). 2 submissions from 2 submitters: Pathogenic (1); Likely pathogenic (1). Last evaluated 2022-07-19.

Conditions:
Early-infantile DEE. Also called: Ohtahara syndrome; Early infantile epileptic encephalopathy with suppression bursts; Early infantile epileptic encephalopathy. Identifiers: Orphanet 1934, MedGen C0393706, MONDO:0800491.

Submissions (2):

Labcorp Genetics (formerly Invitae), Labcorp
Classification: Likely pathogenic for Early-infantile DEE. Last evaluated: 2022-07-19. Review status: criteria provided, single submitter. Criteria: Invitae Variant Classification Sherloc (09022015). Collection method: clinical testing. Allele origin: germline.
Comment: This sequence change falls in intron 15 of the SCN1A gene. It does not directly change the encoded amino acid sequence of the SCN1A protein. It affects a nucleotide within the consensus splice site. This variant is not present in population databases (gnomAD no frequency). This variant has been observed in individuals with clinical features of SCN1A-related conditions (PMID: 25569746, 29655203; Invitae). It has also been observed to segregate with disease in related individuals. ClinVar contains an entry for this variant (Variation ID: 379071). Variants that disrupt the consensus splice site are a relatively common cause of aberrant splicing (PMID: 17576681, 9536098). Algorithms developed to predict the effect of sequence changes on RNA splicing suggest that this variant may disrupt the consensus splice site. In summary, the currently available evidence indicates that the variant is pathogenic, but additional data are needed to prove that conclusively. Therefore, this variant has been classified as Likely Pathogenic.

GeneDx
Classification: Pathogenic. Last evaluated: 2015-08-10. Review status: criteria provided, single submitter. Criteria: GeneDx Variant Classification (06012015). Collection method: clinical testing. Allele origin: germline. Affected: yes.
Comment: The c.2946+5 G>A variant was reported in 8 individuals from the same family, where half had a history ofseizures, and the other half were clinically unaffected (Passamonti et al., 2015). The c.2946+5 G>A variantwas not observed in approximately 6,500 individuals of European and African American ancestery in theNHLBI Exome Sequencing Project. This variant destroys the natural splice donor site in intron 15 and isexpected to cause abnormal gene splicing. Therefore, we consider c.2946+5 G>A to be pathogenic.

Literature cited by the submitters: PubMed 25569746 (cited by Labcorp Genetics (formerly Invitae), Labcorp); PubMed 29655203 (cited by Labcorp Genetics (formerly Invitae), Labcorp); PubMed 17576681 (cited by Labcorp Genetics (formerly Invitae), Labcorp); PubMed 9536098 (cited by Labcorp Genetics (formerly Invitae), Labcorp).

NM_001165963.4(SCN1A):c.2946+5G>A

Gene: SCN1A (sodium voltage-gated channel alpha subunit 1; minus strand). Cytogenetic location: 2q24.3.
Variant type: single nucleotide variant.
Coding change: c.2946+5G>A on transcript NM_001165963.4 (MANE Select); 5 bases into the intron after coding-DNA position 2946, G replaced by A.
Molecular consequence: intron variant.
Genome position (GRCh38, 1-based): chr2:166,037,771, C>T on the plus strand (G>A on the coding strand, the complement: SCN1A is on the minus strand). VCF-style: chr2-166037771-C-T. GRCh37 (hg19) VCF-style: chr2-166894281-C-T.
Other names: c.2913+5G>A (NM_001353949.2, NM_001353950.2, NM_001353951.2 and 2 more transcripts); c.2862+5G>A (NM_001353958.2, NM_001353957.2, NM_001165964.3); c.2946+5G>A (NM_001202435.3, NM_001353948.2); c.2910+5G>A (NM_001353955.2, NM_001353954.2); c.2859+5G>A (NM_001353960.2); c.504+5G>A (NM_001353961.2).
Identifiers: ClinVar variation 379071 (VCV000379071.6), dbSNP rs1057520486, ClinGen allele CA16603840.
Genomic context (GRCh38, chr2:166,037,771, plus strand): 5'-TTACATATGTATACATGTGCCATGCTGGTGTATTTCCAAAATGCATATCTTAAGTGGGTA[C>T]ATACCACTAGGTTTCCAATCACCATGACCATCATGAAGACAGTAAGGCACATGGCTTGAC-3'